The following is an entry in ClinVar:

ClinVar aggregate classification (germline): Uncertain significance (1 of 4 stars; one submission).

Conditions:
Wilms tumor 1 (WT1). Also called: Wilms tumor, somatic. Identifiers: Orphanet 654, MedGen CN033288, MONDO:0008679, OMIM 194070.

Allele frequency attached by ClinVar (database versions not stated): gnomAD exomes below 0.00001.
gnomAD v4.1: 1 of 1,179,702 alleles (0.000085%); highest among the groups gnomAD compares: Non-Finnish European, 0.00011%; no homozygotes.

Submission:

Labcorp Genetics (formerly Invitae), Labcorp
Classification: Uncertain significance for Wilms tumor 1. Last evaluated: 2018-07-10. Review status: criteria provided, single submitter. Criteria: Invitae Variant Classification Sherloc (09022015). Collection method: clinical testing. Allele origin: germline.
Comment: In summary, the available evidence is currently insufficient to determine the role of this variant in disease. Therefore, it has been classified as a Variant of Uncertain Significance. Algorithms developed to predict the effect of missense changes on protein structure and function are either unavailable or do not agree on the potential impact of this missense change (SIFT: "Tolerated"; PolyPhen-2: "Probably Damaging"; Align-GVGD: "Class C0"). This variant has not been reported in the literature in individuals with GPC3-related disease. This variant is not present in population databases (ExAC no frequency). This sequence change replaces proline with leucine at codon 31 of the GPC3 protein (p.Pro31Leu). The proline residue is weakly conserved and there is a moderate physicochemical difference between proline and leucine.

NM_004484.4(GPC3):c.92C>T (p.Pro31Leu)

Gene: GPC3 (glypican 3; minus strand). Cytogenetic location: Xq26.2.
Variant type: single nucleotide variant.
Coding change: c.92C>T on transcript NM_004484.4 (MANE Select); coding-DNA position 92, C replaced by T.
Protein change: p.Pro31Leu; replaces proline 31 with leucine.
Molecular consequence: missense variant.
Genome position (GRCh38, 1-based): chrX:133,985,358, G>A on the plus strand (C>T on the coding strand, the complement: GPC3 is on the minus strand). VCF-style: chrX-133985358-G-A. GRCh37 (hg19) VCF-style: chrX-133119385-G-A.
Other names: c.92C>T, p.Pro31Leu (NM_001164617.2, NM_001164618.2, NM_001164619.2); short protein forms P31L.
Identifiers: ClinVar variation 662624 (VCV000662624.9), dbSNP rs1602581126, ClinGen allele CA414707058.